The following is an entry in ClinVar:

NM_016616.5(NME8):c.635_636del (p.Glu212fs)

Gene: NME8 (NME/NM23 family member 8; plus strand). Cytogenetic location: 7p14.1.
Variant type: Microsatellite.
Coding change: c.635_636del on transcript NM_016616.5 (MANE Select); coding-DNA positions 635 to 636, 2 bases deleted (AG; older notation c.635_636delAG).
Protein change: p.Glu212fs; shifts the reading frame from glutamic acid 212.
Molecular consequence: frameshift variant.
Genome position (GRCh38, 1-based): chr7:37,867,715-37,867,716, AG deleted; deleting any 2 consecutive bases within chr7:37,867,713-37,867,716 gives the same sequence; the c. name uses the placement nearest the transcript's 3' end. VCF-style (leftmost placement, unchanged base first): chr7-37867712-AAG-A. GRCh37 (hg19) VCF-style: chr7-37907314-AAG-A.
Other names: short protein forms E212fs.
Identifiers: ClinVar variation 3300154 (VCV003300154.1).

ClinVar aggregate classification (germline): Uncertain significance (1 of 4 stars; one submission).

Conditions:
Primary ciliary dyskinesia. Also called: Ciliary dyskinesia. Identifiers: Orphanet 244, MedGen C0008780, MONDO:0016575, HP:0012265.

Submission:

Ambry Genetics
Classification: Uncertain significance for Primary ciliary dyskinesia. Last evaluated: 2024-04-17. Review status: criteria provided, single submitter. Criteria: Ambry Variant Classification Scheme 2023. Collection method: clinical testing. Allele origin: germline.
Comment: The c.635_636delAG variant, located in coding exon 9 of the NME8 gene, results from a deletion of two nucleotides at nucleotide positions 635 to 636, causing a translational frameshift with a predicted alternate stop codon (p.E212Vfs*20). The evidence for this gene-disease relationship is limited; therefore, the clinical significance of this alteration is unclear.